The following is an entry in ClinVar:

NM_001267550.2(TTN):c.48296G>A (p.Arg16099Gln)

Genes: TTN (titin; minus strand), TTN-AS1 (TTN antisense RNA 1; plus strand). Cytogenetic location: 2q31.2.
Variant type: single nucleotide variant.
Coding change: c.48296G>A on transcript NM_001267550.2 (MANE Select); coding-DNA position 48296, G replaced by A.
Protein change: p.Arg16099Gln; replaces arginine 16099 with glutamine.
Molecular consequence: missense variant.
Genome position (GRCh38, 1-based): chr2:178,616,495, C>T on the plus strand (G>A on the coding strand, the complement: TTN is on the minus strand). VCF-style: chr2-178616495-C-T. GRCh37 (hg19) VCF-style: chr2-179481222-C-T.
Other names: c.43373G>A, p.Arg14458Gln (NM_001256850.1); c.21101G>A, p.Arg7034Gln (NM_003319.4); c.40592G>A, p.Arg13531Gln (NM_133378.4); c.21476G>A, p.Arg7159Gln (NM_133432.3); c.21677G>A, p.Arg7226Gln (NM_133437.4); short protein forms R16099Q, R13531Q, R7159Q, R14458Q, R7034Q, R7226Q.
Identifiers: ClinVar variation 467199 (VCV000467199.15), dbSNP rs376747673, ClinGen allele CA1994874.
Genomic context (GRCh38, chr2:178,616,495, plus strand): 5'-CTACTCTCATTTTTGGCATTGATGCAGTGCTGCTCAAAACTCACTTTAGTCCATGTTTTC[C>T]GGCTGACTTCTCGTTTTTCAACAACGTATCCAGTTAACGGACTTCCTCCATCATCATCAG-3'
Protein context (NP_001254479.2, residues 16089-16109): GYVVEKREVS[Arg16099Gln]KTWTKVMDFV

ClinVar aggregate classification (germline): Conflicting classifications of pathogenicity. Review status: criteria provided, conflicting classifications (1 of 4 stars). 7 submissions from 7 submitters: Uncertain significance (6); Likely benign (1). Last evaluated 2025-10-09.

Conditions:
TTN-related disorder. Also called: TTN-related condition; TTN-related disease; TTN-related disorders.
Autosomal recessive limb-girdle muscular dystrophy type 2J (LGMDR10). Also called: Limb-girdle muscular dystrophy, type 2J; MUSCULAR DYSTROPHY, LIMB-GIRDLE, AUTOSOMAL RECESSIVE 10. Identifiers: Orphanet 140922, MedGen C1837342, MONDO:0012127, OMIM 608807.
Dilated cardiomyopathy 1G (CMD1G). Identifiers: Orphanet 154, MedGen C1858763, MONDO:0011400, OMIM 604145.
Cardiovascular phenotype. Identifiers: MedGen CN230736.
Hypertrophic cardiomyopathy 9. Also called: Familial hypertrophic cardiomyopathy 9. Identifiers: MedGen C1861065, MONDO:0013412, OMIM 613765.
Myopathy, myofibrillar, 9, with early respiratory failure (MFM9). Also called: Hereditary myopathy with early respiratory failure; MYOPATHY, PROXIMAL, WITH EARLY RESPIRATORY MUSCLE INVOLVEMENT; EDSTROM MYOPATHY; Myopathy, distal, with early respiratory failure, autosomal dominant. Identifiers: Orphanet 178464, Orphanet 34521, MedGen C1863599, MONDO:0011362, OMIM 603689.
Tibial muscular dystrophy (TMD). Also called: Udd Distal Myopathy – Tibial Muscular Dystrophy; UDD MYOPATHY; Tibial muscular dystrophy, tardive. Identifiers: Orphanet 609, MedGen C1838244, MONDO:0010870, OMIM 600334.
Early-onset myopathy with fatal cardiomyopathy (CMYO5). Also called: Salih Myopathy; CONGENITAL MYOPATHY 5 WITH CARDIOMYOPATHY. Identifiers: Orphanet 289377, MedGen C2673677, MONDO:0012714, OMIM 611705. Disease mechanism: loss of function.

Allele frequency attached by ClinVar (database versions not stated): gnomAD exomes 0.00003 and 0.00007; gnomAD 0.00005 and 0.00006; ExAC 0.00006; TOPMed 0.00006; ESP Exome Variant Server 0.00008.
gnomAD v4.1: 110 of 1,611,924 alleles (0.0068%); highest among the groups gnomAD compares: African/African-American, 0.008%; no homozygotes.

Submissions (7):

PreventionGenetics, part of Exact Sciences
Classification: Uncertain significance for TTN-related condition. Last evaluated: 2025-10-09. Review status: criteria provided, single submitter. Criteria: ACMG Guidelines, 2015. Collection method: clinical testing. Allele origin: germline.
Comment: The TTN c.48296G>A variant is predicted to result in the amino acid substitution p.Arg16099Gln. To our knowledge, this variant has not been reported in the literature. This variant is reported in 0.012% of alleles in individuals of African descent in gnomAD. At this time, the clinical significance of this variant is uncertain due to the absence of conclusive functional and genetic evidence.

Fulgent Genetics
Classification: Uncertain significance for Tibial muscular dystrophy; Myopathy, myofibrillar, 9, with early respiratory failure; Dilated cardiomyopathy 1G; Autosomal recessive limb-girdle muscular dystrophy type 2J; Early-onset myopathy with fatal cardiomyopathy; Hypertrophic cardiomyopathy 9. Last evaluated: 2024-06-13. Review status: criteria provided, single submitter. Criteria: ACMG Guidelines, 2015. Collection method: clinical testing. Allele origin: germline.

Blueprint Genetics
Classification: Likely benign. Last evaluated: 2023-08-03. Review status: criteria provided, single submitter. Criteria: ACMG Guidelines, 2015. Collection method: clinical testing. Allele origin: germline.

Ambry Genetics
Classification: Uncertain significance for Cardiovascular phenotype. Last evaluated: 2019-08-10. Review status: criteria provided, single submitter. Criteria: Ambry Variant Classification Scheme 2023. Collection method: clinical testing. Allele origin: germline.
Comment: The p.R7034Q variant (also known as c.21101G>A), located in coding exon 84 of the TTN gene, results from a G to A substitution at nucleotide position 21101. The arginine at codon 7034 is replaced by glutamine, an amino acid with highly similar properties. This amino acid position is highly conserved in available vertebrate species. In addition, this alteration is predicted to be tolerated by in silico analysis. Since supporting evidence is limited at this time, the clinical significance of this alteration remains unclear.

Revvity Omics, Revvity
Classification: Uncertain significance. Last evaluated: 2019-05-29. Review status: criteria provided, single submitter. Criteria: ACMG Guidelines, 2015. Collection method: clinical testing. Allele origin: germline.

Eurofins Ntd Llc (ga)
Classification: Uncertain significance. Last evaluated: 2017-11-06. Review status: criteria provided, single submitter. Criteria: EGL Classification Definitions 2015. Collection method: clinical testing. Allele origin: germline. Observed: 2 variant alleles, 2 heterozygotes.

Labcorp Genetics (formerly Invitae), Labcorp
Classification: Uncertain significance for Dilated cardiomyopathy 1G; Autosomal recessive limb-girdle muscular dystrophy type 2J. Last evaluated: 2017-04-12. Review status: criteria provided, single submitter. Criteria: Invitae Variant Classification Sherloc (09022015). Collection method: clinical testing. Allele origin: germline.